The following is an entry in ClinVar:

NM_003896.4(ST3GAL5):c.1244A>T (p.Asp415Val)

Gene: ST3GAL5 (ST3 beta-galactoside alpha-2,3-sialyltransferase 5; minus strand). Cytogenetic location: 2p11.2.
Variant type: single nucleotide variant.
Coding change: c.1244A>T on transcript NM_003896.4 (MANE Select); coding-DNA position 1244, A replaced by T.
Protein change: p.Asp415Val; replaces aspartic acid 415 with valine.
Molecular consequence: missense variant.
Genome position (GRCh38, 1-based): chr2:85,840,157, T>A on the plus strand (A>T on the coding strand, the complement: ST3GAL5 is on the minus strand). VCF-style: chr2-85840157-T-A. GRCh37 (hg19) VCF-style: chr2-86067280-T-A.
Other names: c.1175A>T, p.Asp392Val (NM_001042437.2); c.860A>T, p.Asp287Val (NM_001354223.2, NM_001354224.2, NM_001354226.2 and 3 more transcripts); c.1160A>T, p.Asp387Val (NM_001354227.2, NM_001354229.2, NM_001354238.1); c.521A>T, p.Asp174Val (NM_001354247.1); c.1085A>T, p.Asp362Val (NM_001363847.1); short protein forms D387V, D392V, D174V, D415V, D362V, D287V.
Identifiers: ClinVar variation 847901 (VCV000847901.7), dbSNP rs1681837789, ClinGen allele CA347502428.

ClinVar aggregate classification (germline): Uncertain significance (1 of 4 stars; one submission).

Conditions:
GM3 synthase deficiency (SPDRS). Also called: SALT AND PEPPER MENTAL RETARDATION SYNDROME; AMISH INFANTILE EPILEPSY SYNDROME; SALT AND PEPPER DEVELOPMENTAL REGRESSION SYNDROME. Identifiers: Orphanet 171714, Orphanet 370933, MedGen C1836824, MONDO:0018274, OMIM 609056.

Allele frequency attached by ClinVar (database versions not stated): gnomAD exomes below 0.00001.
gnomAD v4.1: 1 of 1,614,208 alleles (0.000062%); highest among the groups gnomAD compares: Non-Finnish European, 0.000085%; no homozygotes.

Submission:

Labcorp Genetics (formerly Invitae), Labcorp
Classification: Uncertain significance for GM3 synthase deficiency. Last evaluated: 2022-01-13. Review status: criteria provided, single submitter. Criteria: Invitae Variant Classification Sherloc (09022015). Collection method: clinical testing. Allele origin: germline.
Comment: This sequence change replaces aspartic acid, which is acidic and polar, with valine, which is neutral and non-polar, at codon 415 of the ST3GAL5 protein (p.Asp415Val). This variant is not present in population databases (gnomAD no frequency). This variant has not been reported in the literature in individuals affected with ST3GAL5-related conditions. ClinVar contains an entry for this variant (Variation ID: 847901). Algorithms developed to predict the effect of missense changes on protein structure and function are either unavailable or do not agree on the potential impact of this missense change (SIFT: "Deleterious"; PolyPhen-2: "Benign"; Align-GVGD: "Class C15"). In summary, the available evidence is currently insufficient to determine the role of this variant in disease. Therefore, it has been classified as a Variant of Uncertain Significance.